The following is an entry in ClinVar:

ClinVar aggregate classification (germline): Uncertain significance (1 of 4 stars; one submission).

Submission:

Labcorp Genetics (formerly Invitae), Labcorp
Classification: Uncertain significance. Last evaluated: 2022-03-15. Review status: criteria provided, single submitter. Criteria: Invitae Variant Classification Sherloc (09022015). Collection method: clinical testing. Allele origin: germline.
Comment: In summary, the available evidence is currently insufficient to determine the role of this variant in disease. Therefore, it has been classified as a Variant of Uncertain Significance. Algorithms developed to predict the effect of missense changes on protein structure and function are either unavailable or do not agree on the potential impact of this missense change (SIFT: "Tolerated"; PolyPhen-2: "Probably Damaging"; Align-GVGD: "Class C0"). This variant has not been reported in the literature in individuals affected with DVL3-related conditions. This variant is not present in population databases (gnomAD no frequency). This sequence change replaces serine, which is neutral and polar, with proline, which is neutral and non-polar, at codon 505 of the DVL3 protein (p.Ser505Pro).

NM_004423.4(DVL3):c.1513T>C (p.Ser505Pro)

Gene: DVL3 (dishevelled segment polarity protein 3; plus strand). Cytogenetic location: 3q27.1.
Variant type: single nucleotide variant.
Coding change: c.1513T>C on transcript NM_004423.4 (MANE Select); coding-DNA position 1513, T replaced by C.
Protein change: p.Ser505Pro; replaces serine 505 with proline.
Molecular consequence: missense variant.
Genome position (GRCh38, 1-based): chr3:184,170,020, T>C. VCF-style: chr3-184170020-T-C. GRCh37 (hg19) VCF-style: chr3-183887808-T-C.
Other names: short protein forms S505P.
Identifiers: ClinVar variation 2112434 (VCV002112434.4), dbSNP rs2473705107, ClinGen allele CA355414429.